The following is an entry in ClinVar:

ClinVar aggregate classification (germline): Uncertain significance. Review status: criteria provided, multiple submitters, no conflicts (2 of 4 stars). 3 submissions from 3 submitters: Uncertain significance (3). Last evaluated 2026-04-01.

Conditions:
Inborn genetic diseases. Identifiers: MedGen C0950123, MeSH D030342.
Hereditary sensory and autonomic neuropathy type 7. Also called: HSAN VII; Neuropathy, hereditary sensory and autonomic, type VII. Identifiers: Orphanet 391397, MedGen C3809882, MONDO:0014244, OMIM 615548.
Familial episodic pain syndrome with predominantly lower limb involvement. Also called: Episodic pain syndrome, familial, 3. Identifiers: Orphanet 391384, Orphanet 391392, MedGen C3809899, MONDO:0014247, OMIM 615552.

Allele frequency attached by ClinVar (database versions not stated): gnomAD exomes 0.00001; 1000 Genomes Project 30x 0.00016.
gnomAD v4.1: 13 of 1,613,382 alleles (0.00081%); highest among the groups gnomAD compares: Admixed American, 0.005%; no homozygotes.

Submissions (3):

CeGaT Center for Human Genetics Tuebingen
Classification: Uncertain significance. Last evaluated: 2026-04-01. Review status: criteria provided, single submitter. Criteria: CeGaT Center For Human Genetics Tuebingen Variant Classification Criteria Version 2. Collection method: clinical testing. Allele origin: germline. Affected: yes. Observed: 1 variant allele.
Comment: SCN11A: PM2, PP3

Labcorp Genetics (formerly Invitae), Labcorp
Classification: Uncertain significance for Familial episodic pain syndrome with predominantly lower limb involvement; Hereditary sensory and autonomic neuropathy type 7. Last evaluated: 2025-08-06. Review status: criteria provided, single submitter. Criteria: Invitae Variant Classification Sherloc (09022015). Collection method: clinical testing. Allele origin: germline.
Comment: This sequence change replaces isoleucine, which is neutral and non-polar, with valine, which is neutral and non-polar, at codon 1373 of the SCN11A protein (p.Ile1373Val). This variant is present in population databases (rs199558321, gnomAD 0.009%). This variant has not been reported in the literature in individuals affected with SCN11A-related conditions. ClinVar contains an entry for this variant (Variation ID: 1350467). Invitae Evidence Modeling of protein sequence and biophysical properties (such as structural, functional, and spatial information, amino acid conservation, physicochemical variation, residue mobility, and thermodynamic stability) indicates that this missense variant is not expected to disrupt SCN11A protein function with a negative predictive value of 80%. Algorithms developed to predict the effect of sequence changes on RNA splicing suggest that this variant may create or strengthen a splice site. In summary, the available evidence is currently insufficient to determine the role of this variant in disease. Therefore, it has been classified as a Variant of Uncertain Significance.

Ambry Genetics
Classification: Uncertain significance for Inborn genetic diseases. Last evaluated: 2022-09-20. Review status: criteria provided, single submitter. Criteria: Ambry Variant Classification Scheme 2023. Collection method: clinical testing. Allele origin: germline.
Comment: The p.I1373V variant (also known as c.4117A>G), located in coding exon 25 of the SCN11A gene, results from an A to G substitution at nucleotide position 4117. The isoleucine at codon 1373 is replaced by valine, an amino acid with highly similar properties. This amino acid position is not well conserved in available vertebrate species, and valine is the reference amino acid in other vertebrate species. In addition, this alteration is predicted to be tolerated by in silico analysis. Since supporting evidence is limited at this time, the clinical significance of this alteration remains unclear.

NM_001349253.2(SCN11A):c.4117A>G (p.Ile1373Val)

Gene: SCN11A (sodium voltage-gated channel alpha subunit 11; minus strand). Cytogenetic location: 3p22.2.
Variant type: single nucleotide variant.
Coding change: c.4117A>G on transcript NM_001349253.2 (MANE Select); coding-DNA position 4117, A replaced by G.
Protein change: p.Ile1373Val; replaces isoleucine 1373 with valine.
Molecular consequence: missense variant.
Genome position (GRCh38, 1-based): chr3:38,850,691, T>C on the plus strand (A>G on the coding strand, the complement: SCN11A is on the minus strand). VCF-style: chr3-38850691-T-C. GRCh37 (hg19) VCF-style: chr3-38892182-T-C.
Other names: c.4117A>G, p.Ile1373Val (NM_014139.3); short protein forms I1373V.
Identifiers: ClinVar variation 1350467 (VCV001350467.12), dbSNP rs199558321, ClinGen allele CA2321593.